The following is an entry in ClinVar:

NM_005378.6(MYCN):c.320C>T (p.Pro107Leu)

Genes: MYCN (MYCN proto-oncogene, bHLH transcription factor; plus strand), MYCNOS (MYCN opposite strand; minus strand). Cytogenetic location: 2p24.3.
Variant type: single nucleotide variant.
Coding change: c.320C>T on transcript NM_005378.6 (MANE Select); coding-DNA position 320, C replaced by T.
Protein change: p.Pro107Leu; replaces proline 107 with leucine.
Molecular consequence: missense variant. On other transcripts: non-coding transcript variant (1), 3 prime UTR variant (1), intron variant (1).
Genome position (GRCh38, 1-based): chr2:15,942,384, C>T. VCF-style: chr2-15942384-C-T. GRCh37 (hg19) VCF-style: chr2-16082506-C-T.
Other names: c.320C>T, p.Pro107Leu (NM_001293228.2); c.*255C>T (NM_001293233.2); c.157+1641C>T (NM_001293231.2); short protein forms P107L.
Identifiers: ClinVar variation 3906705 (VCV003906705.1).

ClinVar aggregate classification (germline): Uncertain significance (1 of 4 stars; one submission).

Submission:

GeneDx
Classification: Uncertain significance. Last evaluated: 2024-12-17. Review status: criteria provided, single submitter. Criteria: GeneDx Variant Classification Process June 2021. Collection method: clinical testing. Allele origin: germline. Affected: yes.
Comment: Not observed at significant frequency in large population cohorts (gnomAD); In silico analysis indicates that this missense variant does not alter protein structure/function; Has not been previously published as pathogenic or benign to our knowledge